The following is an entry in ClinVar:

NM_007294.4(BRCA1):c.5468-802T>C

Gene: BRCA1 (BRCA1 DNA repair associated; minus strand). Cytogenetic location: 17q21.31.
Variant type: single nucleotide variant.
Coding change: c.5468-802T>C on transcript NM_007294.4 (MANE Select); 802 bases into the intron before coding-DNA position 5468, T replaced by C.
Molecular consequence: intron variant.
Genome position (GRCh38, 1-based): chr17:43,046,604, A>G on the plus strand (T>C on the coding strand, the complement: BRCA1 is on the minus strand). VCF-style: chr17-43046604-A-G. GRCh37 (hg19) VCF-style: chr17-41198621-A-G.
Other names: IVS 23-802T>C; c.5531-802T>C (NM_001407587.1, NM_001407585.1, NM_007300.4 and 1 more transcripts); c.1919-802T>C (NM_001408494.1); c.2033-802T>C (NM_001408444.1, NM_001408438.1, NM_001408432.1 and 10 more transcripts); c.2036-802T>C (NM_001408430.1, NM_001408427.1, NM_001408431.1 and 4 more transcripts); c.5339-802T>C (NM_001407682.1, NM_001407689.1, NM_001407681.1 and 6 more transcripts); c.5342-802T>C (NM_001407676.1, NM_001407679.1, NM_001407670.1 and 8 more transcripts); c.5264-802T>C (NM_001407863.1); and 84 more.
Identifiers: ClinVar variation 209238 (VCV000209238.2), dbSNP rs8176314, ClinGen allele CA276210.

ClinVar aggregate classification (germline): Benign (3 of 4 stars; one submission).

Conditions:
Breast-ovarian cancer, familial, susceptibility to, 1 (BROVCA1). Also called: BRCA1 Hereditary Breast and Ovarian Cancer; OVARIAN CANCER, SUSCEPTIBILITY TO. Identifiers: Orphanet 145, MedGen C2676676, MONDO:0011450, OMIM 604370. Disease mechanism: loss of function.

Allele frequency attached by ClinVar (database versions not stated): TOPMed 0.29148; gnomAD 0.30326 and 0.31039; 1000 Genomes Project 30x 0.33479; 1000 Genomes Project 0.34245.
gnomAD v4.1: 46,944 of 151,166 alleles (31%); highest among the groups gnomAD compares: South Asian, 49%; 7,651 homozygotes.

Submission:

Evidence-based Network for the Interpretation of Germline Mutant Alleles (ENIGMA)
Classification: Benign for Breast-ovarian cancer, familial 1. Last evaluated: 2015-01-12. Review status: reviewed by expert panel. Criteria: ENIGMA BRCA1/2 Classification Criteria (2015). Collection method: curation. Allele origin: germline.
Comment: Class 1 not pathogenic based on frequency >1% in an outbred sampleset. Frequency 0.3304 (Asian), 0.2114 (African), 0.3602 (European), derived from 1000 genomes (2012-04-30).